The following is an entry in ClinVar:

NM_182760.4(SUMF1):c.1034G>A (p.Arg345His)

Gene: SUMF1 (sulfatase modifying factor 1; minus strand). Cytogenetic location: 3p26.1.
Variant type: single nucleotide variant.
Coding change: c.1034G>A on transcript NM_182760.4 (MANE Select); coding-DNA position 1034, G replaced by A.
Protein change: p.Arg345His; replaces arginine 345 with histidine.
Molecular consequence: missense variant.
Genome position (GRCh38, 1-based): chr3:4,362,235, C>T on the plus strand (G>A on the coding strand, the complement: SUMF1 is on the minus strand). VCF-style: chr3-4362235-C-T. GRCh37 (hg19) VCF-style: chr3-4403919-C-T.
Other names: c.959G>A, p.Arg320His (NM_001164674.2); c.974G>A, p.Arg325His (NM_001164675.2); c.1034G>A (NM_182760.3); short protein forms R325H, R345H, R320H.
Identifiers: ClinVar variation 1425494 (VCV001425494.5), dbSNP rs139267495, ClinGen allele CA2230333.

ClinVar aggregate classification (germline): Conflicting classifications of pathogenicity. Review status: criteria provided, conflicting classifications (1 of 4 stars). 4 submissions from 4 submitters: Likely pathogenic (3); Uncertain significance (1). Last evaluated 2025-11-13.

Conditions:
Multiple sulfatase deficiency (MSD). Also called: Mucosulfatidosis; Multiple Sulfatase Deficiency Disease; Sulfatidosis, Juvenile, Austin Type. Identifiers: Orphanet 585, MedGen C0268263, MONDO:0010088, OMIM 272200.
Inborn genetic diseases. Identifiers: MedGen C0950123, MeSH D030342.

Allele frequency attached by ClinVar (database versions not stated): gnomAD 0.00003 and 0.00004; TOPMed 0.00003; ESP Exome Variant Server 0.00015.
gnomAD v4.1: 16 of 1,613,984 alleles (0.00099%); highest among the groups gnomAD compares: African/African-American, 0.0027%; no homozygotes.

Submissions (4):

Natera, Inc.
Classification: Likely pathogenic for Multiple sulfatase deficiency. Last evaluated: 2025-11-13. Review status: criteria provided, single submitter. Criteria: Natera Variant Classification Schema (03/2026). Collection method: clinical testing. Allele origin: germline.
Comment: The c.1034G>A variant in SUMF1 is a missense variant predicted to cause substitution of arginine to histidine at amino acid 345. This variant is rare in the general population with a frequency below the threshold expected for the associated phenotype(s). This variant has been observed in one or more individuals affected with the associated recessive disease, as either homozygous or compound heterozygous with a second variant (PMID: 32749716). This variant has been identified in one or more affected individual with a phenotype highly consistent with the associated gene (PMID: 32749716). Functional studies show that this variant may disrupt protein function (PMID: 32749716). Computational prediction algorithms indicate this variant is likely to affect gene or protein function. Given the available evidence, this variant is classified as Likely Pathogenic.

Ambry Genetics
Classification: Likely pathogenic for Inborn genetic diseases. Last evaluated: 2024-09-19. Review status: criteria provided, single submitter. Criteria: Ambry Variant Classification Scheme 2023. Collection method: clinical testing. Allele origin: germline.
Comment: The c.1034G>A (p.R345H) alteration is located in exon 9 (coding exon 9) of the SUMF1 gene. This alteration results from a G to A substitution at nucleotide position 1034, causing the arginine (R) at amino acid position 345 to be replaced by a histidine (H). Based on data from gnomAD, the A allele has an overall frequency of 0.001% (3/248908) total alleles studied. The highest observed frequency was 0.006% (1/16256) of African alleles. This variant has been identified in the homozygous state and/or in conjunction with other SUMF1 variant(s) in individual(s) with features consistent with multiple sulfatase deficiency; in at least one instance, the variants were identified in trans (Adang, 2020). This amino acid position is highly conserved in available vertebrate species. In an assay testing SUMF1 function, this variant showed a functionally abnormal result (Adang, 2020). This alteration is predicted to be deleterious by in silico analysis. Based on the available evidence, this alteration is classified as likely pathogenic.

GeneDx
Classification: Likely pathogenic. Last evaluated: 2023-03-31. Review status: criteria provided, single submitter. Criteria: GeneDx Variant Classification Process June 2021. Collection method: clinical testing. Allele origin: germline. Affected: yes.
Comment: Not observed at significant frequency in large population cohorts (gnomAD); In silico analysis, which includes protein predictors and evolutionary conservation, supports a deleterious effect; Has not been previously published as pathogenic or benign to our knowledge

Labcorp Genetics (formerly Invitae), Labcorp
Classification: Uncertain significance for Multiple sulfatase deficiency. Last evaluated: 2022-08-03. Review status: criteria provided, single submitter. Criteria: Invitae Variant Classification Sherloc (09022015). Collection method: clinical testing. Allele origin: germline.
Comment: This sequence change replaces arginine, which is basic and polar, with histidine, which is basic and polar, at codon 345 of the SUMF1 protein (p.Arg345His). This variant is present in population databases (rs139267495, gnomAD 0.002%). This variant has not been reported in the literature in individuals affected with SUMF1-related conditions. ClinVar contains an entry for this variant (Variation ID: 1425494). Algorithms developed to predict the effect of missense changes on protein structure and function are either unavailable or do not agree on the potential impact of this missense change (SIFT: "Deleterious"; PolyPhen-2: "Probably Damaging"; Align-GVGD: "Class C0"). In summary, the available evidence is currently insufficient to determine the role of this variant in disease. Therefore, it has been classified as a Variant of Uncertain Significance.

Literature cited by the submitters: PubMed 32749716 (cited by Natera, Inc. and Ambry Genetics); PubMed 3274971 (cited by Ambry Genetics).